The following is an entry in ClinVar:

NM_004304.5(ALK):c.674G>C (p.Ser225Thr)

Gene: ALK (ALK receptor tyrosine kinase; minus strand). Cytogenetic location: 2p23.2.
Variant type: single nucleotide variant.
Coding change: c.674G>C on transcript NM_004304.5 (MANE Select); coding-DNA position 674, G replaced by C.
Protein change: p.Ser225Thr; replaces serine 225 with threonine.
Molecular consequence: missense variant.
Genome position (GRCh38, 1-based): chr2:29,717,691, C>G on the plus strand (G>C on the coding strand, the complement: ALK is on the minus strand). VCF-style: chr2-29717691-C-G. GRCh37 (hg19) VCF-style: chr2-29940557-C-G.
Other names: short protein forms S225T.
Identifiers: ClinVar variation 5035654 (VCV005035654.1).

ClinVar aggregate classification (germline): Uncertain significance (1 of 4 stars; one submission).

Conditions:
Hereditary cancer-predisposing syndrome. Also called: Hereditary Cancer Syndrome; Neoplastic Syndromes, Hereditary; Tumor predisposition; Hereditary neoplastic syndrome. Identifiers: Orphanet 140162, MedGen C0027672, MeSH D009386, MONDO:0015356.

Submission:

Ambry Genetics
Classification: Uncertain significance for Hereditary cancer-predisposing syndrome. Last evaluated: 2026-08-31. Review status: criteria provided, single submitter. Criteria: Ambry Variant Classification Scheme 2023. Collection method: clinical testing. Allele origin: germline.
Comment: The p.S225T variant (also known as c.674G>C), located in coding exon 2 of the ALK gene, results from a G to C substitution at nucleotide position 674. The serine at codon 225 is replaced by threonine, an amino acid with similar properties. This amino acid position is conserved. In addition, this alteration is predicted to be tolerated by in silico analysis. Based on the available evidence, the clinical significance of this variant remains unclear.